The following is an entry in ClinVar:

ClinVar aggregate classification (germline): Uncertain significance (1 of 4 stars; one submission).

Conditions:
Mowat-Wilson syndrome (MOWS). Also called: Classic Mowat-Wilson Syndrome. Identifiers: Orphanet 2152, MedGen C1856113, MONDO:0009341, OMIM 235730.

Submission:

Labcorp Genetics (formerly Invitae), Labcorp
Classification: Uncertain significance for Mowat-Wilson syndrome. Last evaluated: 2024-10-23. Review status: criteria provided, single submitter. Criteria: Invitae Variant Classification Sherloc (09022015). Collection method: clinical testing. Allele origin: germline.
Comment: This sequence change replaces leucine, which is neutral and non-polar, with phenylalanine, which is neutral and non-polar, at codon 447 of the ZEB2 protein (p.Leu447Phe). This variant is not present in population databases (gnomAD no frequency). This variant has not been reported in the literature in individuals affected with ZEB2-related conditions. Invitae Evidence Modeling of protein sequence and biophysical properties (such as structural, functional, and spatial information, amino acid conservation, physicochemical variation, residue mobility, and thermodynamic stability) has been performed for this missense variant. However, the output from this modeling did not meet the statistical confidence thresholds required to predict the impact of this variant on ZEB2 protein function. In summary, the available evidence is currently insufficient to determine the role of this variant in disease. Therefore, it has been classified as a Variant of Uncertain Significance.

NM_014795.4(ZEB2):c.1341A>T (p.Leu447Phe)

Gene: ZEB2 (zinc finger E-box binding homeobox 2; minus strand). Cytogenetic location: 2q22.3.
Variant type: single nucleotide variant.
Coding change: c.1341A>T on transcript NM_014795.4 (MANE Select); coding-DNA position 1341, A replaced by T.
Protein change: p.Leu447Phe; replaces leucine 447 with phenylalanine.
Molecular consequence: missense variant.
Genome position (GRCh38, 1-based): chr2:144,399,846, T>A on the plus strand (A>T on the coding strand, the complement: ZEB2 is on the minus strand). VCF-style: chr2-144399846-T-A. GRCh37 (hg19) VCF-style: chr2-145157413-T-A.
Other names: c.1269A>T, p.Leu423Phe (NM_001171653.2); short protein forms L423F, L447F.
Identifiers: ClinVar variation 2770843 (VCV002770843.3), dbSNP rs2549106918, ClinGen allele CA348712069.